The following is an entry in ClinVar:

NM_001105206.3(LAMA4):c.2381A>G (p.Gln794Arg)

Gene: LAMA4 (laminin subunit alpha 4; minus strand). Cytogenetic location: 6q21.
Variant type: single nucleotide variant.
Coding change: c.2381A>G on transcript NM_001105206.3 (MANE Select); coding-DNA position 2381, A replaced by G.
Protein change: p.Gln794Arg; replaces glutamine 794 with arginine.
Molecular consequence: missense variant.
Genome position (GRCh38, 1-based): chr6:112,144,906, T>C on the plus strand (A>G on the coding strand, the complement: LAMA4 is on the minus strand). VCF-style: chr6-112144906-T-C. GRCh37 (hg19) VCF-style: chr6-112466108-T-C.
Other names: c.2360A>G, p.Gln787Arg (NM_001105207.3, NM_002290.5); short protein forms Q794R, Q787R.
Identifiers: ClinVar variation 1790151 (VCV001790151.2), dbSNP rs2547034789, ClinGen allele CA365382953.

ClinVar aggregate classification (germline): Uncertain significance (1 of 4 stars; one submission).

Conditions:
Cardiovascular phenotype. Identifiers: MedGen CN230736.

Submission:

Ambry Genetics
Classification: Uncertain significance for Cardiovascular phenotype. Last evaluated: 2021-11-14. Review status: criteria provided, single submitter. Criteria: Ambry Variant Classification Scheme 2023. Collection method: clinical testing. Allele origin: germline.
Comment: The p.Q787R variant (also known as c.2360A>G), located in coding exon 18 of the LAMA4 gene, results from an A to G substitution at nucleotide position 2360. The glutamine at codon 787 is replaced by arginine, an amino acid with highly similar properties. This amino acid position is conserved. In addition, this alteration is predicted to be tolerated by in silico analysis. Since supporting evidence is limited at this time, the clinical significance of this alteration remains unclear.